The following is an entry in ClinVar:

NM_032442.3(NEURL4):c.2584C>G (p.Pro862Ala)

Gene: NEURL4 (neuralized E3 ubiquitin protein ligase 4; minus strand). Cytogenetic location: 17p13.1.
Variant type: single nucleotide variant.
Coding change: c.2584C>G on transcript NM_032442.3 (MANE Select); coding-DNA position 2584, C replaced by G.
Protein change: p.Pro862Ala; replaces proline 862 with alanine.
Molecular consequence: missense variant.
Genome position (GRCh38, 1-based): chr17:7,322,957, G>C on the plus strand (C>G on the coding strand, the complement: NEURL4 is on the minus strand). VCF-style: chr17-7322957-G-C. GRCh37 (hg19) VCF-style: chr17-7226276-G-C.
Other names: c.2584C>G, p.Pro862Ala (NM_001005408.2); short protein forms P862A.
Identifiers: ClinVar variation 786431 (VCV000786431.28), dbSNP rs143317552, ClinGen allele CA8342872.

ClinVar aggregate classification (germline): Benign/Likely benign. Review status: criteria provided, multiple submitters, no conflicts (2 of 4 stars). 2 submissions from 2 submitters: Benign (1); Likely benign (1). Last evaluated 2023-03-01.

Allele frequency attached by ClinVar (database versions not stated): 1000 Genomes Project 30x 0.00234; 1000 Genomes Project 0.00300; TOPMed 0.00416; ExAC 0.00457; gnomAD exomes 0.00463 and 0.00580; ESP Exome Variant Server 0.00466; gnomAD 0.00488 and 0.00527.
gnomAD v4.1: 9,181 of 1,613,564 alleles (0.57%); highest among the groups gnomAD compares: Non-Finnish European, 0.65%; 33 homozygotes.

Submissions (2):

CeGaT Center for Human Genetics Tuebingen
Classification: Likely benign. Last evaluated: 2023-03-01. Review status: criteria provided, single submitter. Criteria: CeGaT Center For Human Genetics Tuebingen Variant Classification Criteria Version 2. Collection method: clinical testing. Allele origin: germline. Affected: yes. Observed: 1 variant allele.
Comment: NEURL4: BS2

Labcorp Genetics (formerly Invitae), Labcorp
Classification: Benign. Last evaluated: 2019-12-31. Review status: criteria provided, single submitter. Criteria: Invitae Variant Classification Sherloc (09022015). Collection method: clinical testing. Allele origin: germline.